The following is an entry in ClinVar:

NM_015488.5(PNKD):c.1135A>T (p.Lys379Ter)

Genes: CATIP-AS2 (CATIP antisense RNA 2; minus strand), PNKD (PNKD metallo-beta-lactamase domain containing; plus strand). Cytogenetic location: 2q35.
Variant type: single nucleotide variant.
Coding change: c.1135A>T on transcript NM_015488.5 (MANE Select); coding-DNA position 1135, A replaced by T.
Protein change: p.Lys379Ter; replaces lysine 379 with a stop codon.
Molecular consequence: nonsense.
Genome position (GRCh38, 1-based): chr2:218,344,958, A>T. VCF-style: chr2-218344958-A-T. GRCh37 (hg19) VCF-style: chr2-219209681-A-T.
Other names: c.1063A>T, p.Lys355Ter (NM_022572.5); short protein forms K355*, K379*.
Identifiers: ClinVar variation 1000439 (VCV001000439.6), dbSNP rs1694790443, ClinGen allele CA350544076.
Genomic context (GRCh38, chr2:218,344,958, plus strand): 5'-GGCCCCACTGGGGATGATGACTACTCCCGGGCCCAGCTCCTGGAAGAGCTCCGCCGGCTG[A>T]AGGATATGCACAAGAGCAAGTGATGCCCCCAGCGCCCCCAGCCCAGCCCACTCCCCGCAT-3'

ClinVar aggregate classification (germline): Uncertain significance (1 of 4 stars; one submission).

Conditions:
Paroxysmal nonkinesigenic dyskinesia. Also called: Paroxysmal non-kinesigenic dyskinesia. Identifiers: Orphanet 98810, MedGen C1869117, MONDO:0700088.

Submission:

Labcorp Genetics (formerly Invitae), Labcorp
Classification: Uncertain significance for Paroxysmal nonkinesigenic dyskinesia. Last evaluated: 2020-10-05. Review status: criteria provided, single submitter. Criteria: Invitae Variant Classification Sherloc (09022015). Collection method: clinical testing. Allele origin: germline.
Comment: This sequence change results in a premature translational stop signal in the PNKD gene (p.Lys379*). While this is not anticipated to result in nonsense mediated decay, it is expected to disrupt the last 7 amino acids of the PNKD protein. This variant is not present in population databases (ExAC no frequency). This variant has not been reported in the literature in individuals with PNKD-related conditions. Experimental studies and prediction algorithms are not available or were not evaluated, and the functional significance of this variant is currently unknown. In summary, the available evidence is currently insufficient to determine the role of this variant in disease. Therefore, it has been classified as a Variant of Uncertain Significance.